The following is an entry in ClinVar:

ClinVar aggregate classification (germline): Uncertain significance (1 of 4 stars; one submission).

Submission:

GeneDx
Classification: Uncertain significance. Last evaluated: 2025-10-06. Review status: criteria provided, single submitter. Criteria: GeneDx Variant Classification Process June 2021. Collection method: clinical testing. Allele origin: germline.
Comment: Not observed at significant frequency in large population cohorts (gnomAD); In silico analysis supports that this missense variant has a deleterious effect on protein structure/function; Has not been previously published as pathogenic or benign to our knowledge

NM_018082.6(POLR3B):c.836C>T (p.Thr279Ile)

Gene: POLR3B (RNA polymerase III subunit B; plus strand). Cytogenetic location: 12q23.3.
Variant type: single nucleotide variant.
Coding change: c.836C>T on transcript NM_018082.6 (MANE Select); coding-DNA position 836, C replaced by T.
Protein change: p.Thr279Ile; replaces threonine 279 with isoleucine.
Molecular consequence: missense variant.
Genome position (GRCh38, 1-based): chr12:106,393,143, C>T. VCF-style: chr12-106393143-C-T. GRCh37 (hg19) VCF-style: chr12-106786921-C-T.
Other names: c.662C>T, p.Thr221Ile (NM_001160708.2); short protein forms T221I, T279I.
Identifiers: ClinVar variation 3343287 (VCV003343287.2).